The following is an entry in ClinVar:

ClinVar aggregate classification (germline): Likely pathogenic (1 of 4 stars; one submission).

Submission:

Labcorp Genetics (formerly Invitae), Labcorp
Classification: Likely pathogenic. Last evaluated: 2023-07-07. Review status: criteria provided, single submitter. Criteria: Invitae Variant Classification Sherloc (09022015). Collection method: clinical testing. Allele origin: germline.
Comment: In summary, the currently available evidence indicates that the variant is pathogenic, but additional data are needed to prove that conclusively. Therefore, this variant has been classified as Likely Pathogenic. Algorithms developed to predict the effect of sequence changes on RNA splicing suggest that this variant may disrupt the consensus splice site. ClinVar contains an entry for this variant (Variation ID: 2024486). This variant has not been reported in the literature in individuals affected with LARS2-related conditions. This variant is present in population databases (no rsID available, gnomAD 0.0009%). This sequence change affects an acceptor splice site in intron 19 of the LARS2 gene. It is expected to disrupt RNA splicing. Variants that disrupt the donor or acceptor splice site typically lead to a loss of protein function (PMID: 16199547), and loss-of-function variants in LARS2 are known to be pathogenic (PMID: 23541342, 30737337).

Literature cited by the submitters: PubMed 16199547; PubMed 23541342; PubMed 30737337.

NM_015340.4(LARS2):c.2293-1G>A

Gene: LARS2 (leucyl-tRNA synthetase 2, mitochondrial; plus strand). Cytogenetic location: 3p21.31.
Variant type: single nucleotide variant.
Coding change: c.2293-1G>A on transcript NM_015340.4 (MANE Select); the canonical splice acceptor site of the intron before coding-DNA position 2293, G replaced by A.
Molecular consequence: splice acceptor variant.
Genome position (GRCh38, 1-based): chr3:45,523,996, G>A. VCF-style: chr3-45523996-G-A. GRCh37 (hg19) VCF-style: chr3-45565488-G-A.
Other names: c.2293-1G>A (NM_001368263.1).
Identifiers: ClinVar variation 2024486 (VCV002024486.4), dbSNP rs1183505712, ClinGen allele CA352430052.